The following is an entry in ClinVar:

ClinVar aggregate classification (germline): Uncertain significance (1 of 4 stars; one submission).

Conditions:
Hermansky-Pudlak syndrome 2 (HPS2). Also called: Platelet defects and oculocutaneous albinism. Identifiers: Orphanet 183678, Orphanet 79430, MedGen C1842362, MONDO:0011997, OMIM 608233.

Submission:

Labcorp Genetics (formerly Invitae), Labcorp
Classification: Uncertain significance for Hermansky-Pudlak syndrome 2. Last evaluated: 2021-12-18. Review status: criteria provided, single submitter. Criteria: Invitae Variant Classification Sherloc (09022015). Collection method: clinical testing. Allele origin: germline.
Comment: This sequence change replaces alanine, which is neutral and non-polar, with aspartic acid, which is acidic and polar, at codon 313 of the AP3B1 protein (p.Ala313Asp). This variant is not present in population databases (gnomAD no frequency). In summary, the available evidence is currently insufficient to determine the role of this variant in disease. Therefore, it has been classified as a Variant of Uncertain Significance. Algorithms developed to predict the effect of missense changes on protein structure and function are either unavailable or do not agree on the potential impact of this missense change (SIFT: "Tolerated"; PolyPhen-2: "Possibly Damaging"; Align-GVGD: "Class C0"). This variant has not been reported in the literature in individuals affected with AP3B1-related conditions.

NM_003664.5(AP3B1):c.938C>A (p.Ala313Asp)

Gene: AP3B1 (adaptor related protein complex 3 subunit beta 1; minus strand). Cytogenetic location: 5q14.1.
Variant type: single nucleotide variant.
Coding change: c.938C>A on transcript NM_003664.5 (MANE Select); coding-DNA position 938, C replaced by A.
Protein change: p.Ala313Asp; replaces alanine 313 with aspartic acid.
Molecular consequence: missense variant.
Genome position (GRCh38, 1-based): chr5:78,181,511, G>T on the plus strand (C>A on the coding strand, the complement: AP3B1 is on the minus strand). VCF-style: chr5-78181511-G-T. GRCh37 (hg19) VCF-style: chr5-77477335-G-T.
Other names: c.791C>A, p.Ala264Asp (NM_001271769.2); c.938C>A, p.Ala313Asp (NM_001410752.1); short protein forms A264D, A313D.
Identifiers: ClinVar variation 2047266 (VCV002047266.4), dbSNP rs2531119361, ClinGen allele CA360190194.
Genomic context (GRCh38, chr5:78,181,511, plus strand): 5'-TTAATTGCTGTTTTTTAAAAACCAGTGAATTATTTCTTATAAGGATTTTAACATACCGCA[G>T]CATTCCTGCTCTGAAGCAAAGGCTTTGTATTTCTAATTAAGAGTCTATGATCTGGATCCA-3'
Protein context (NP_003655.3, residues 303-323): NTKPLLQSRN[Ala313Asp]AVVMAVAQLY